The following is an entry in ClinVar:

ClinVar aggregate classification (germline): Uncertain significance (1 of 4 stars; one submission).

gnomAD v4.1: 4 of 1,614,114 alleles (0.00025%); highest among the groups gnomAD compares: Non-Finnish European, 0.00034%; no homozygotes.

Submission:

GeneDx
Classification: Uncertain significance. Last evaluated: 2023-05-25. Review status: criteria provided, single submitter. Criteria: GeneDx Variant Classification Process June 2021. Collection method: clinical testing. Allele origin: germline. Affected: yes.
Comment: Not observed at significant frequency in large population cohorts (gnomAD); In silico analysis supports that this missense variant has a deleterious effect on protein structure/function; Has not been previously published as pathogenic or benign to our knowledge

NM_005050.4(ABCD4):c.1240G>A (p.Gly414Arg)

Gene: ABCD4 (ATP binding cassette subfamily D member 4; minus strand). Cytogenetic location: 14q24.3.
Variant type: single nucleotide variant.
Coding change: c.1240G>A on transcript NM_005050.4 (MANE Select); coding-DNA position 1240, G replaced by A.
Protein change: p.Gly414Arg; replaces glycine 414 with arginine.
Molecular consequence: missense variant. On other transcripts: non-coding transcript variant (10).
Genome position (GRCh38, 1-based): chr14:74,290,378, C>T on the plus strand (G>A on the coding strand, the complement: ABCD4 is on the minus strand). VCF-style: chr14-74290378-C-T. GRCh37 (hg19) VCF-style: chr14-74757081-C-T.
Other names: c.1114G>A, p.Gly372Arg (NM_001353591.2, NM_001353592.2); c.979G>A, p.Gly327Arg (NM_001353593.2); c.928G>A, p.Gly310Arg (NM_001353594.2); c.826G>A, p.Gly276Arg (NM_001353595.2, NM_001353596.2); c.775G>A, p.Gly259Arg (NM_001353597.2); c.763G>A, p.Gly255Arg (NM_001353598.2, NM_001353599.2, NM_001353600.2 and 2 more transcripts); c.451G>A, p.Gly151Arg (NM_001353602.2, NM_001353603.2, NM_001353604.2 and 6 more transcripts); c.1240G>A, p.Gly414Arg (NM_020325.3); short protein forms G151R, G255R, G259R, G276R, G310R, G327R, G372R, G414R.
Identifiers: ClinVar variation 3361947 (VCV003361947.1).